The following is an entry in ClinVar:

ClinVar aggregate classification (germline): Likely benign. Review status: reviewed by expert panel (3 of 4 stars). 3 submissions from 3 submitters: Likely benign (1). 2 of the submissions do not count toward it. Last evaluated 2017-06-29.

Conditions:
Breast-ovarian cancer, familial, susceptibility to, 2 (BROVCA2). Also called: BRCA2 Hereditary Breast and Ovarian Cancer. Identifiers: Orphanet 145, MedGen C2675520, MONDO:0012933, OMIM 612555. Disease mechanism: loss of function.
Hereditary cancer-predisposing syndrome. Also called: Hereditary neoplastic syndrome; Tumor predisposition; Neoplastic Syndromes, Hereditary; Hereditary Cancer Syndrome. Identifiers: Orphanet 140162, MedGen C0027672, MeSH D009386, MONDO:0015356.
Hereditary breast ovarian cancer syndrome. Also called: BRCA1- and BRCA2-Associated Hereditary Breast and Ovarian Cancer; Hereditary breast and/or ovarian cancer syndrome; Hereditary breast and ovarian cancer; Hereditary breast and ovarian cancer syndrome; Hereditary breast and ovarian cancer syndrome (HBOC); Breast and ovarian cancer. Identifiers: Orphanet 145, MedGen C0677776, MeSH D061325, MONDO:0003582. Disease mechanism: loss of function.

Allele frequency attached by ClinVar (database versions not stated): gnomAD exomes below 0.00001; ExAC 0.00001; gnomAD 0.00001; 1000 Genomes Project 30x 0.00016; 1000 Genomes Project 0.00020.
gnomAD v4.1: 1 of 1,614,010 alleles (0.000062%); highest among the groups gnomAD compares: Non-Finnish European, 0.000085%; no homozygotes.

Submissions (3):

Evidence-based Network for the Interpretation of Germline Mutant Alleles (ENIGMA)
Classification: Likely benign for Breast-ovarian cancer, familial, susceptibility to, 2. Last evaluated: 2017-06-29. Review status: reviewed by expert panel. Criteria: ENIGMA BRCA1/2 Classification Criteria (2017-06-29). Collection method: curation. Allele origin: germline.
Comment: Synonymous substitution variant, with low bioinformatic likelihood to result in a splicing aberration (Splicing prior probability 0.02).

Labcorp Genetics (formerly Invitae), Labcorp
Classification: Likely benign for Hereditary breast ovarian cancer syndrome. Last evaluated: 2022-08-05. Review status: criteria provided, single submitter. Criteria: Invitae Variant Classification Sherloc (09022015). Collection method: clinical testing. Allele origin: germline. Not counted in ClinVar's aggregate classification.

Ambry Genetics
Classification: Likely benign for Hereditary cancer-predisposing syndrome. Last evaluated: 2015-05-17. Review status: criteria provided, single submitter. Criteria: Ambry Variant Classification Scheme 2023. Collection method: clinical testing. Allele origin: germline. Not counted in ClinVar's aggregate classification.

NM_000059.4(BRCA2):c.4554A>G (p.Glu1518=)

Gene: BRCA2 (BRCA2 DNA repair associated; plus strand). Cytogenetic location: 13q13.1.
Variant type: single nucleotide variant.
Coding change: c.4554A>G on transcript NM_000059.4 (MANE Select); coding-DNA position 4554, A replaced by G.
Protein change: p.Glu1518=; no amino-acid change (glutamic acid 1518 retained).
Molecular consequence: synonymous variant.
Genome position (GRCh38, 1-based): chr13:32,338,909, A>G. VCF-style: chr13-32338909-A-G. GRCh37 (hg19) VCF-style: chr13-32913046-A-G.
Identifiers: ClinVar variation 427543 (VCV000427543.10), dbSNP rs200185407, ClinGen allele CA6940790.